The following is an entry in ClinVar:

NM_001035.3(RYR2):c.5828G>A (p.Arg1943Gln)

Gene: RYR2 (ryanodine receptor 2; plus strand). Cytogenetic location: 1q43.
Variant type: single nucleotide variant.
Coding change: c.5828G>A on transcript NM_001035.3 (MANE Select); coding-DNA position 5828, G replaced by A.
Protein change: p.Arg1943Gln; replaces arginine 1943 with glutamine.
Molecular consequence: missense variant.
Genome position (GRCh38, 1-based): chr1:237,617,398, G>A. VCF-style: chr1-237617398-G-A. GRCh37 (hg19) VCF-style: chr1-237780698-G-A.
Other names: short protein forms R1943Q.
Identifiers: ClinVar variation 3385744 (VCV003385744.1).

ClinVar aggregate classification (germline): Uncertain significance (1 of 4 stars; one submission).

Conditions:
Catecholaminergic polymorphic ventricular tachycardia (CVPT). Also called: Catecholamine-induced polymorphic ventricular tachycardia. Identifiers: Orphanet 3286, MedGen C5574922, MONDO:0017990.

gnomAD v4.1: 2 of 1,613,898 alleles (0.00012%); highest among the groups gnomAD compares: Non-Finnish European, 0.00017%; no homozygotes.

Submission:

All of Us Research Program, National Institutes of Health
Classification: Uncertain significance for Catecholaminergic polymorphic ventricular tachycardia. Last evaluated: 2024-03-05. Review status: criteria provided, single submitter. Criteria: ACMG Guidelines, 2015. Collection method: clinical testing. Allele origin: germline. Inheritance: Autosomal dominant inheritance. Observed: 1 variant allele, 1 heterozygote.
Comment: This study involves interpretation of variants in research participants for the purpose of population health screening. Participant phenotype was not available at the time of variant classification. Additional details can be found in publication PMID: 35346344, PMCID: PMC8962531